The following is an entry in ClinVar:

ClinVar aggregate classification (germline): Uncertain significance (1 of 4 stars; one submission).

Conditions:
Leber congenital amaurosis 2 (LCA2). Also called: AMAUROSIS CONGENITA OF LEBER II; Autosomal Recessive RPE65-Related Retinal Degeneration. Identifiers: Orphanet 65, MedGen C1859844, MONDO:0008765, OMIM 204100. Disease mechanism: loss of function.
Retinitis pigmentosa 20 (RP20). Identifiers: Orphanet 791, MedGen C3151086, MONDO:0013425, OMIM 613794.

Submission:

Labcorp Genetics (formerly Invitae), Labcorp
Classification: Uncertain significance for Leber congenital amaurosis 2; Retinitis pigmentosa 20. Last evaluated: 2022-09-27. Review status: criteria provided, single submitter. Criteria: Invitae Variant Classification Sherloc (09022015). Collection method: clinical testing. Allele origin: germline.
Comment: In summary, the available evidence is currently insufficient to determine the role of this variant in disease. Therefore, it has been classified as a Variant of Uncertain Significance. Advanced modeling of protein sequence and biophysical properties (such as structural, functional, and spatial information, amino acid conservation, physicochemical variation, residue mobility, and thermodynamic stability) performed at Invitae indicates that this missense variant is not expected to disrupt RPE65 protein function. ClinVar contains an entry for this variant (Variation ID: 1387425). This variant has not been reported in the literature in individuals affected with RPE65-related conditions. This variant is not present in population databases (gnomAD no frequency). This sequence change replaces serine, which is neutral and polar, with threonine, which is neutral and polar, at codon 468 of the RPE65 protein (p.Ser468Thr).

NM_000329.3(RPE65):c.1402T>A (p.Ser468Thr)

Gene: RPE65 (retinoid isomerohydrolase RPE65; minus strand). Cytogenetic location: 1p31.3.
Variant type: single nucleotide variant.
Coding change: c.1402T>A on transcript NM_000329.3 (MANE Select); coding-DNA position 1402, T replaced by A.
Protein change: p.Ser468Thr; replaces serine 468 with threonine.
Molecular consequence: missense variant.
Genome position (GRCh38, 1-based): chr1:68,431,113, A>T on the plus strand (T>A on the coding strand, the complement: RPE65 is on the minus strand). VCF-style: chr1-68431113-A-T. GRCh37 (hg19) VCF-style: chr1-68896796-A-T.
Other names: short protein forms S468T.
Identifiers: ClinVar variation 1387425 (VCV001387425.6), dbSNP rs2100806926, ClinGen allele CA340741958.